The following is an entry in ClinVar:

ClinVar aggregate classification (germline): Pathogenic. Review status: criteria provided, multiple submitters, no conflicts (2 of 4 stars). 10 submissions from 10 submitters: Pathogenic (8). 2 of the submissions do not count toward it. Last evaluated 2025-09-14.

Conditions:
VPS13B-related disorder. Also called: VPS13B-related condition.
Cohen syndrome (COH1). Also called: PEPPER SYNDROME; Cutis verticis gyrata, retinitis pigmentosa, and sensorineural deafness. Identifiers: Orphanet 193, MedGen C0265223, MONDO:0008999, OMIM 216550.

Allele frequency attached by ClinVar (database versions not stated): ExAC 0.00001; gnomAD 0.00001; gnomAD exomes 0.00002; TOPMed 0.00002; ESP Exome Variant Server 0.00008.
gnomAD v4.1: 25 of 1,613,784 alleles (0.0015%); highest among the groups gnomAD compares: Admixed American, 0.0033%; no homozygotes.

Submissions (10):

Natera, Inc.
Classification: Pathogenic for Cohen syndrome. Last evaluated: 2025-09-14. Review status: criteria provided, single submitter. Criteria: Natera Variant Classification Schema (03/2026). Collection method: clinical testing. Allele origin: germline.
Comment: The c.8515C>T variant in VPS13B is a nonsense variant predicted to introduce a stop codon at amino acid 2839. This variant is expected to result in nonsense mediated decay, truncation, or a dysfunctional protein product. This variant is rare in the general population with a frequency below the threshold expected for the associated phenotype(s). This variant has been observed in one or more individuals affected with the associated recessive disease, as either homozygous or compound heterozygous with a second variant (PMID: 23188044). Given the available evidence, this variant is classified as Pathogenic.

PreventionGenetics, part of Exact Sciences
Classification: Pathogenic for VPS13B-related condition. Last evaluated: 2025-05-27. Review status: criteria provided, single submitter. Criteria: ACMG Guidelines, 2015. Collection method: clinical testing. Allele origin: germline.
Comment: The VPS13B c.8440C>T variant is predicted to result in premature protein termination (p.Arg2814*). This variant has been reported in the homozygous state in patients with Cohen syndrome (reported as p.Arg2839* using NM_017890.4 in Seifert et al. 2009. PubMed ID: 19006247; Duplomb et al. 2019. PubMed ID: 30843084). In vitro study of homozygous patient cells demonstrated that this variant results in decreased mRNA, abnormal protein localization and disrupted Golgi morphology (Seifert. 2011. PubMed ID: 21865173). This variant is reported in 0.0029% of alleles in individuals of Latino descent in gnomAD. Nonsense variants in VPS13B are expected to be pathogenic. This variant is interpreted as pathogenic.

3billion
Classification: Pathogenic for Cohen syndrome. Last evaluated: 2025-04-02. Review status: criteria provided, single submitter. Criteria: ACMG Guidelines, 2015. Collection method: clinical testing. Allele origin: germline. Affected: yes.
Comment: The variant is observed at an extremely low frequency in the gnomAD v4.1.0 dataset (total allele frequency: 0.002%). Predicted Consequence/Location: Stop-gained (nonsense): predicted to result in a loss or disruption of normal protein function through nonsense-mediated decay (NMD) or protein truncation. Multiple pathogenic variants are reported downstream of the variant. The variant has been reported to co-segregate with the disease in at least one similarly affected relative/individual in the same family or similarly affected unrelated families (PMID: 19006247, 23188044). The variant has been reported at least twice as pathogenic with clinical assertions and evidence for the classification (ClinVar ID: VCV000056694 / PMID: 19006247). Therefore, this variant is classified as Pathogenic according to the recommendation of ACMG/AMP guideline.

Labcorp Genetics (formerly Invitae), Labcorp
Classification: Pathogenic for Cohen syndrome. Last evaluated: 2025-03-27. Review status: criteria provided, single submitter. Criteria: Invitae Variant Classification Sherloc (09022015). Collection method: clinical testing. Allele origin: germline.
Comment: This sequence change creates a premature translational stop signal (p.Arg2839*) in the VPS13B gene. It is expected to result in an absent or disrupted protein product. Loss-of-function variants in VPS13B are known to be pathogenic (PMID: 15141358, 16648375, 20461111). This variant is present in population databases (rs386834113, gnomAD 0.003%). This premature translational stop signal has been observed in individual(s) with Cohen syndrome (PMID: 19006247). ClinVar contains an entry for this variant (Variation ID: 56694). For these reasons, this variant has been classified as Pathogenic.

Blueprint Genetics
Classification: Pathogenic for VPS13B-related disorders. Last evaluated: 2022-07-05. Review status: criteria provided, single submitter. Criteria: ACMG Guidelines, 2015. Collection method: clinical testing. Allele origin: germline. Affected: yes. Observed: 2 variant alleles.

GeneDx
Classification: Pathogenic. Last evaluated: 2022-04-01. Review status: criteria provided, single submitter. Criteria: GeneDx Variant Classification Process June 2021. Collection method: clinical testing. Allele origin: germline. Affected: yes.
Comment: Not observed at a significant frequency in large population cohorts (gnomAD); Nonsense variant predicted to result in protein truncation or nonsense mediated decay in a gene for which loss-of-function is a known mechanism of disease; This variant is associated with the following publications: (PMID: 19006247, 23188044, 24334764, 30843084, 25525159, 31589614, 21865173)

Breda Genetics srl
Classification: Pathogenic for Cohen syndrome. Last evaluated: 2020-10-12. Review status: criteria provided, single submitter. Criteria: ACMG Guidelines, 2015. Collection method: clinical testing. Allele origin: germline. Affected: yes. Observed: 1 variant allele.
Comment: The nonsense variant is predicted to result in loss of function through protein truncation or nonsense-mediated decay.

Women's Health and Genetics/Laboratory Corporation of America, LabCorp
Classification: Pathogenic for Cohen syndrome. Last evaluated: 2018-07-09. Review status: criteria provided, single submitter. Criteria: LabCorp Variant Classification Summary - May 2015. Collection method: clinical testing. Allele origin: germline.
Comment: Variant summary: VPS13B c.8515C>T (p.Arg2839X) results in a premature termination codon, predicted to cause a truncation of the encoded protein or absence of the protein due to nonsense mediated decay, which are commonly known mechanisms for disease. Truncations downstream of this position have been classified as pathogenic by our laboratory (e.g., p.Trp3649X and p.Pro3969fsX41). The variant allele was found at a frequency of 2e-05 in 245746 control chromosomes. c.8515C>T has been reported as a homozygous allele in the literature in individuals affected with Cohen Syndrome, indicating the variant is likely to be associated with disease. At least one publication reports experimental evidence showing a reduction of COH1 mRNA expression (10%-<30% of normal expression) and fragmented Golgi structures in patient cells (Seifert_2011). One clinical diagnostic laboratory has submitted clinical-significance assessments for this variant to ClinVar after 2014 and classified the variant as pathogenic. Based on the evidence outlined above, the variant was classified as pathogenic.

Counsyl
Classification: Likely pathogenic for Cohen syndrome. Last evaluated: 2014-09-17. Review status: no assertion criteria provided. Collection method: literature only. Allele origin: unknown. Inheritance: Autosomal recessive inheritance. Not counted in ClinVar's aggregate classification.

Juha Muilu Group; Institute for Molecular Medicine Finland (FIMM)
Classification: Likely pathogenic for Cohen syndrome. Review status: no assertion criteria provided. Collection method: not provided. Allele origin: unknown. Not counted in ClinVar's aggregate classification.
Comment: FinDis database variant: This variant was not found or characterized by our laboratory, data were collected from public sources: see reference
ClinVar note: Converted during submission from probable-pathogenic to Likely pathogenic.

Literature cited by the submitters: PubMed 23188044 (cited by 5 submitters); PubMed 19006247 (cited by 5 submitters); PubMed 15141358 (cited by Labcorp Genetics (formerly Invitae), Labcorp); PubMed 16648375 (cited by Labcorp Genetics (formerly Invitae), Labcorp); PubMed 20461111 (cited by Labcorp Genetics (formerly Invitae), Labcorp); PubMed 24334764 (cited by Women's Health and Genetics/Laboratory Corporation of America, LabCorp and Counsyl); PubMed 21865173 (cited by Women's Health and Genetics/Laboratory Corporation of America, LabCorp).

NM_152564.5(VPS13B):c.8440C>T (p.Arg2814Ter)

Gene: VPS13B (vacuolar protein sorting 13 homolog B; plus strand). Cytogenetic location: 8q22.2.
Variant type: single nucleotide variant.
Coding change: c.8440C>T on transcript NM_152564.5 (MANE Select); coding-DNA position 8440, C replaced by T.
Protein change: p.Arg2814Ter; replaces arginine 2814 with a stop codon.
Molecular consequence: nonsense.
Genome position (GRCh38, 1-based): chr8:99,818,529, C>T. VCF-style: chr8-99818529-C-T. GRCh37 (hg19) VCF-style: chr8-100830757-C-T.
Other names: p.Arg2839*; c.8515C>T, p.Arg2839Ter (NM_017890.5); c.8440C>T (NM_152564.4); short protein forms R2839*, R2814*.
Identifiers: ClinVar variation 56694 (VCV000056694.22), dbSNP rs386834113, ClinGen allele CA264143.